The following is an entry in ClinVar:

NM_000388.4(CASR):c.1271T>G (p.Val424Gly)

Gene: CASR (calcium sensing receptor; plus strand). Cytogenetic location: 3q21.1.
Variant type: single nucleotide variant.
Coding change: c.1271T>G on transcript NM_000388.4 (MANE Select); coding-DNA position 1271, T replaced by G.
Protein change: p.Val424Gly; replaces valine 424 with glycine.
Molecular consequence: missense variant.
Genome position (GRCh38, 1-based): chr3:122,262,306, T>G. VCF-style: chr3-122262306-T-G. GRCh37 (hg19) VCF-style: chr3-121981153-T-G.
Other names: c.1271T>G, p.Val424Gly (NM_001178065.2); short protein forms V424G.
Identifiers: ClinVar variation 3755671 (VCV003755671.2).

ClinVar aggregate classification (germline): Uncertain significance (1 of 4 stars; one submission).

Conditions:
Familial hypocalciuric hypercalcemia (FHH). Also called: Familial benign hypercalcemia. Identifiers: Orphanet 405, MedGen C1809471, MONDO:0018458.
Autosomal dominant hypocalcemia 1 (HYPOC1). Also called: HYPOCALCEMIA, FAMILIAL. Identifiers: MedGen C3715128, MONDO:0011013, OMIM 601198.

Submission:

Labcorp Genetics (formerly Invitae), Labcorp
Classification: Uncertain significance for Familial hypocalciuric hypercalcemia; Autosomal dominant hypocalcemia 1. Last evaluated: 2024-04-03. Review status: criteria provided, single submitter. Criteria: Invitae Variant Classification Sherloc (09022015). Collection method: clinical testing. Allele origin: germline.
Comment: This sequence change replaces valine, which is neutral and non-polar, with glycine, which is neutral and non-polar, at codon 424 of the CASR protein (p.Val424Gly). This variant is not present in population databases (gnomAD no frequency). This variant has not been reported in the literature in individuals affected with CASR-related conditions. An algorithm developed to predict the effect of missense changes on protein structure and function (PolyPhen-2) suggests that this variant is likely to be disruptive. In summary, the available evidence is currently insufficient to determine the role of this variant in disease. Therefore, it has been classified as a Variant of Uncertain Significance.